The following is an entry in ClinVar:

NM_000426.4(LAMA2):c.2108T>C (p.Val703Ala)

Gene: LAMA2 (laminin subunit alpha 2; plus strand). Cytogenetic location: 6q22.33.
Variant type: single nucleotide variant.
Coding change: c.2108T>C on transcript NM_000426.4 (MANE Select); coding-DNA position 2108, T replaced by C.
Protein change: p.Val703Ala; replaces valine 703 with alanine.
Molecular consequence: missense variant.
Genome position (GRCh38, 1-based): chr6:129,260,722, T>C. VCF-style: chr6-129260722-T-C. GRCh37 (hg19) VCF-style: chr6-129581867-T-C.
Other names: c.2108T>C, p.Val703Ala (NM_001079823.2); short protein forms V703A.
Identifiers: ClinVar variation 1479058 (VCV001479058.8), dbSNP rs2114320291, ClinGen allele CA365608493.

ClinVar aggregate classification (germline): Uncertain significance (1 of 4 stars; one submission).

Conditions:
LAMA2-related muscular dystrophy (LAMA2-RD). Also called: Laminin alpha 2-related dystrophy. Identifiers: MedGen C5679788, MONDO:0100228.

Submission:

Labcorp Genetics (formerly Invitae), Labcorp
Classification: Uncertain significance for LAMA2-related muscular dystrophy. Last evaluated: 2022-03-03. Review status: criteria provided, single submitter. Criteria: Invitae Variant Classification Sherloc (09022015). Collection method: clinical testing. Allele origin: germline.
Comment: Advanced modeling of protein sequence and biophysical properties (such as structural, functional, and spatial information, amino acid conservation, physicochemical variation, residue mobility, and thermodynamic stability) performed at Invitae indicates that this missense variant is not expected to disrupt LAMA2 protein function. In summary, the available evidence is currently insufficient to determine the role of this variant in disease. Therefore, it has been classified as a Variant of Uncertain Significance. This variant has not been reported in the literature in individuals affected with LAMA2-related conditions. This sequence change replaces valine, which is neutral and non-polar, with alanine, which is neutral and non-polar, at codon 703 of the LAMA2 protein (p.Val703Ala). This variant is not present in population databases (gnomAD no frequency).